The following is an entry in ClinVar:

ClinVar aggregate classification (germline): Uncertain significance (1 of 4 stars; one submission).

Allele frequency attached by ClinVar (database versions not stated): gnomAD exomes below 0.00001 and 0.00001; ExAC 0.00001; gnomAD 0.00003 and 0.00004; TOPMed 0.00004; ESP Exome Variant Server 0.00008.
gnomAD v4.1: 9 of 1,577,690 alleles (0.00057%); highest among the groups gnomAD compares: African/African-American, 0.0094%; no homozygotes.

Submission:

Labcorp Genetics (formerly Invitae), Labcorp
Classification: Uncertain significance. Last evaluated: 2022-07-11. Review status: criteria provided, single submitter. Criteria: Invitae Variant Classification Sherloc (09022015). Collection method: clinical testing. Allele origin: germline.
Comment: This sequence change falls in intron 14 of the PDE6C gene. It does not directly change the encoded amino acid sequence of the PDE6C protein. It affects a nucleotide within the consensus splice site. In summary, the available evidence is currently insufficient to determine the role of this variant in disease. Therefore, it has been classified as a Variant of Uncertain Significance. Variants that disrupt the consensus splice site are a relatively common cause of aberrant splicing (PMID: 17576681, 9536098). Algorithms developed to predict the effect of sequence changes on RNA splicing suggest that this variant is not likely to affect RNA splicing. ClinVar contains an entry for this variant (Variation ID: 936449). This variant has not been reported in the literature in individuals affected with PDE6C-related conditions. This variant is present in population databases (rs372330059, gnomAD 0.01%).

Literature cited by the submitters: PubMed 17576681; PubMed 9536098.

NM_006204.4(PDE6C):c.1848-3T>C

Gene: PDE6C (phosphodiesterase 6C; plus strand). Cytogenetic location: 10q23.33.
Variant type: single nucleotide variant.
Coding change: c.1848-3T>C on transcript NM_006204.4 (MANE Select); 3 bases into the intron before coding-DNA position 1848, T replaced by C.
Molecular consequence: intron variant.
Genome position (GRCh38, 1-based): chr10:93,645,957, T>C. VCF-style: chr10-93645957-T-C. GRCh37 (hg19) VCF-style: chr10-95405714-T-C.
Identifiers: ClinVar variation 936449 (VCV000936449.9), dbSNP rs372330059, ClinGen allele CA5610324.